The following is an entry in ClinVar:

NM_014550.4(CARD10):c.108T>C (p.His36=)

Gene: CARD10 (caspase recruitment domain family member 10; minus strand). Cytogenetic location: 22q13.1.
Variant type: single nucleotide variant.
Coding change: c.108T>C on transcript NM_014550.4 (MANE Select); coding-DNA position 108, T replaced by C.
Protein change: p.His36=; no amino-acid change (histidine 36 retained).
Molecular consequence: synonymous variant.
Genome position (GRCh38, 1-based): chr22:37,519,093, A>G on the plus strand (T>C on the coding strand, the complement: CARD10 is on the minus strand). VCF-style: chr22-37519093-A-G. GRCh37 (hg19) VCF-style: chr22-37915100-A-G.
Identifiers: ClinVar variation 3055971 (VCV003055971.2), dbSNP rs7287804, ClinGen allele CA10220257.

ClinVar aggregate classification (germline): Benign (0 of 4 stars; one submission).

Conditions:
CARD10-related disorder. Also called: CARD10-related condition.

Allele frequency attached by ClinVar (database versions not stated): gnomAD exomes 0.05535; ExAC 0.08523; 1000 Genomes Project 0.11262; 1000 Genomes Project 30x 0.11602; gnomAD 0.11603; ESP Exome Variant Server 0.11870; TOPMed 0.12871.
gnomAD v4.1: 97,825 of 1,590,852 alleles (6.1%); highest among the groups gnomAD compares: African/African-American, 30%; 5,425 homozygotes.

Submission:

PreventionGenetics, part of Exact Sciences
Classification: Benign for CARD10-related condition. Last evaluated: 2019-11-25. Review status: no assertion criteria provided. Collection method: clinical testing. Allele origin: germline.
Comment: This variant is classified as benign based on ACMG/AMP sequence variant interpretation guidelines (Richards et al. 2015 PMID: 25741868, with internal and published modifications).